The following is an entry in ClinVar:

ClinVar aggregate classification (germline): Uncertain significance. Review status: criteria provided, multiple submitters, no conflicts (2 of 4 stars). 4 submissions from 4 submitters: Uncertain significance (4). Last evaluated 2025-06-09.

Conditions:
Cardiovascular phenotype. Identifiers: MedGen CN230736.
Catecholaminergic polymorphic ventricular tachycardia (CVPT). Also called: Catecholamine-induced polymorphic ventricular tachycardia. Identifiers: Orphanet 3286, MedGen C5574922, MONDO:0017990.
Catecholaminergic polymorphic ventricular tachycardia 1. Also called: VENTRICULAR TACHYCARDIA, CATECHOLAMINERGIC POLYMORPHIC, 1, WITH OR WITHOUT ATRIAL DYSFUNCTION AND/OR DILATED CARDIOMYOPATHY; VENTRICULAR TACHYCARDIA, STRESS-INDUCED POLYMORPHIC 1; RYR2-Related Catecholaminergic Polymorphic Ventricular Tachycardia. Identifiers: Orphanet 3286, MedGen C1631597, MONDO:0011484, OMIM 604772.
Cardiomyopathy (CMYO). Also called: Cardiomyopathies. Identifiers: Orphanet 167848, MedGen C0878544, MONDO:0004994, HP:0001638. Inheritance: Various modes of inheritance.

Allele frequency attached by ClinVar (database versions not stated): TOPMed below 0.00001; gnomAD 0.00001; gnomAD exomes 0.00001.
gnomAD v4.1: 9 of 1,579,338 alleles (0.00057%); highest among the groups gnomAD compares: Non-Finnish European, 0.00077%; no homozygotes.

Submissions (4):

Color Diagnostics, LLC DBA Color Health
Classification: Uncertain significance for Cardiomyopathy. Last evaluated: 2025-06-09. Review status: criteria provided, single submitter. Criteria: ACMG Guidelines, 2015. Collection method: clinical testing. Allele origin: germline.
Comment: This missense variant replaces methionine with threonine at codon 2840 of the RYR2 protein. Computational prediction suggests that this variant may have deleterious impact on protein structure and function. To our knowledge, functional studies have not been reported for this variant. This variant has not been reported in individuals affected with RYR2-related disorders in the literature. This variant has not been identified in the general population by the Genome Aggregation Database (gnomAD). The available evidence is insufficient to determine the role of this variant in disease conclusively. Therefore, this variant is classified as a Variant of Uncertain Significance.

All of Us Research Program, National Institutes of Health
Classification: Uncertain significance for Catecholaminergic polymorphic ventricular tachycardia. Last evaluated: 2023-08-15. Review status: criteria provided, single submitter. Criteria: ACMG Guidelines, 2015. Collection method: clinical testing. Allele origin: germline. Inheritance: Autosomal dominant inheritance. Observed: 1 variant allele, 1 heterozygote.
Comment: This study involves interpretation of variants in research participants for the purpose of population health screening. Participant phenotype was not available at the time of variant classification. Additional details can be found in publication PMID: 35346344, PMCID: PMC8962531

Ambry Genetics
Classification: Uncertain significance for Cardiovascular phenotype. Last evaluated: 2022-10-03. Review status: criteria provided, single submitter. Criteria: Ambry Variant Classification Scheme 2023. Collection method: clinical testing. Allele origin: germline.
Comment: The p.M2840T variant (also known as c.8519T>C), located in coding exon 58 of the RYR2 gene, results from a T to C substitution at nucleotide position 8519. The methionine at codon 2840 is replaced by threonine, an amino acid with similar properties. This amino acid position is highly conserved in available vertebrate species. In addition, the in silico prediction for this alteration is inconclusive. Since supporting evidence is limited at this time, the clinical significance of this alteration remains unclear.

Labcorp Genetics (formerly Invitae), Labcorp
Classification: Uncertain significance for Catecholaminergic polymorphic ventricular tachycardia 1. Last evaluated: 2021-12-24. Review status: criteria provided, single submitter. Criteria: Invitae Variant Classification Sherloc (09022015). Collection method: clinical testing. Allele origin: germline.
Comment: This sequence change replaces methionine, which is neutral and non-polar, with threonine, which is neutral and polar, at codon 2840 of the RYR2 protein (p.Met2840Thr). This variant is not present in population databases (gnomAD no frequency). This variant has not been reported in the literature in individuals affected with RYR2-related conditions. Advanced modeling of protein sequence and biophysical properties (such as structural, functional, and spatial information, amino acid conservation, physicochemical variation, residue mobility, and thermodynamic stability) performed at Invitae indicates that this missense variant is expected to disrupt RYR2 protein function. In summary, the available evidence is currently insufficient to determine the role of this variant in disease. Therefore, it has been classified as a Variant of Uncertain Significance.

NM_001035.3(RYR2):c.8519T>C (p.Met2840Thr)

Gene: RYR2 (ryanodine receptor 2; plus strand). Cytogenetic location: 1q43.
Variant type: single nucleotide variant.
Coding change: c.8519T>C on transcript NM_001035.3 (MANE Select); coding-DNA position 8519, T replaced by C.
Protein change: p.Met2840Thr; replaces methionine 2840 with threonine.
Molecular consequence: missense variant.
Genome position (GRCh38, 1-based): chr1:237,667,887, T>C. VCF-style: chr1-237667887-T-C. GRCh37 (hg19) VCF-style: chr1-237831187-T-C.
Other names: short protein forms M2840T.
Identifiers: ClinVar variation 1763703 (VCV001763703.9), dbSNP rs1684463438, ClinGen allele CA076364.
Genomic context (GRCh38, chr1:237,667,887, plus strand): 5'-AAGCAATATTATCCTTTTTTACTTATTGAAACGATAAATATTTTTGTTCATTTAAGGCTA[T>C]GGCAGAAATGATGGCTGAAAACTACCATAATATATGGGCAAAGAAAAAGAAAATGGAGTT-3'
Protein context (NP_001026.2, residues 2830-2850): NVTLSRDLHA[Met2840Thr]AEMMAENYHN